The following is an entry in ClinVar:

ClinVar aggregate classification (germline): Uncertain significance (1 of 4 stars; one submission).

Conditions:
Inborn genetic diseases. Identifiers: MedGen C0950123, MeSH D030342.

gnomAD v4.1: 2 of 1,606,906 alleles (0.00012%); highest among the groups gnomAD compares: East Asian, 0.0022%; no homozygotes.

Submission:

Ambry Genetics
Classification: Uncertain significance for Inborn genetic diseases. Last evaluated: 2025-10-03. Review status: criteria provided, single submitter. Criteria: Ambry Variant Classification Scheme 2023. Collection method: clinical testing. Allele origin: germline.
Comment: The p.E1356D variant (also known as c.4068A>C), located in coding exon 14 of the FANCM gene, results from an A to C substitution at nucleotide position 4068. The glutamic acid at codon 1356 is replaced by aspartic acid, an amino acid with highly similar properties. This amino acid position is conserved. In addition, this alteration is predicted to be tolerated by in silico analysis. Based on the available evidence, the clinical significance of this variant remains unclear.

NM_020937.4(FANCM):c.4068A>C (p.Glu1356Asp)

Gene: FANCM (FA complementation group M; plus strand). Cytogenetic location: 14q21.2.
Variant type: single nucleotide variant.
Coding change: c.4068A>C on transcript NM_020937.4 (MANE Select); coding-DNA position 4068, A replaced by C.
Protein change: p.Glu1356Asp; replaces glutamic acid 1356 with aspartic acid.
Molecular consequence: missense variant.
Genome position (GRCh38, 1-based): chr14:45,176,822, A>C. VCF-style: chr14-45176822-A-C. GRCh37 (hg19) VCF-style: chr14-45646025-A-C.
Other names: c.3990A>C, p.Glu1330Asp (NM_001308133.2); short protein forms E1356D, E1330D.
Identifiers: ClinVar variation 4619469 (VCV004619469.1).